The following is an entry in ClinVar:

ClinVar aggregate classification (germline): Uncertain significance. Review status: criteria provided, multiple submitters, no conflicts (2 of 4 stars). 2 submissions from 2 submitters: Uncertain significance (2). Last evaluated 2025-10-29.

Conditions:
Dilated cardiomyopathy 1O (CMD1O). Also called: CARDIOMYOPATHY, DILATED, WITH VENTRICULAR TACHYCARDIA. Identifiers: Orphanet 154, MedGen C1837839, MONDO:0012062, OMIM 608569.
Cardiovascular phenotype. Identifiers: MedGen CN230736.

Allele frequency attached by ClinVar (database versions not stated): gnomAD exomes below 0.00001; gnomAD 0.00001.
gnomAD v4.1: 3 of 1,613,086 alleles (0.00019%); highest among the groups gnomAD compares: Admixed American, 0.0017%; no homozygotes.

Submissions (2):

Labcorp Genetics (formerly Invitae), Labcorp
Classification: Uncertain significance for Dilated cardiomyopathy 1O. Last evaluated: 2025-10-29. Review status: criteria provided, single submitter. Criteria: Invitae Variant Classification Sherloc (09022015). Collection method: clinical testing. Allele origin: germline.
Comment: This sequence change replaces serine, which is neutral and polar, with proline, which is neutral and non-polar, at codon 128 of the ABCC9 protein (p.Ser128Pro). This variant is not present in population databases (gnomAD no frequency). This variant has not been reported in the literature in individuals affected with ABCC9-related conditions. ClinVar contains an entry for this variant (Variation ID: 1735346). Invitae Evidence Modeling of protein sequence and biophysical properties (such as structural, functional, and spatial information, amino acid conservation, physicochemical variation, residue mobility, and thermodynamic stability) indicates that this missense variant is expected to disrupt ABCC9 protein function with a positive predictive value of 95%. In summary, the available evidence is currently insufficient to determine the role of this variant in disease. Therefore, it has been classified as a Variant of Uncertain Significance.

Ambry Genetics
Classification: Uncertain significance for Cardiovascular phenotype. Last evaluated: 2021-02-18. Review status: criteria provided, single submitter. Criteria: Ambry Variant Classification Scheme 2023. Collection method: clinical testing. Allele origin: germline.
Comment: The p.S128P variant (also known as c.382T>C), located in coding exon 3 of the ABCC9 gene, results from a T to C substitution at nucleotide position 382. The serine at codon 128 is replaced by proline, an amino acid with similar properties. This amino acid position is highly conserved in available vertebrate species. In addition, this alteration is predicted to be deleterious by in silico analysis. Since supporting evidence is limited at this time, the clinical significance of this alteration remains unclear.

NM_020297.4(ABCC9):c.382T>C (p.Ser128Pro)

Gene: ABCC9 (ATP binding cassette subfamily C member 9; minus strand). Cytogenetic location: 12p12.1.
Variant type: single nucleotide variant.
Coding change: c.382T>C on transcript NM_020297.4 (MANE Select); coding-DNA position 382, T replaced by C.
Protein change: p.Ser128Pro; replaces serine 128 with proline.
Molecular consequence: missense variant. On other transcripts: 5 prime UTR variant (1).
Genome position (GRCh38, 1-based): chr12:21,925,966, A>G on the plus strand (T>C on the coding strand, the complement: ABCC9 is on the minus strand). VCF-style: chr12-21925966-A-G. GRCh37 (hg19) VCF-style: chr12-22078900-A-G.
Other names: c.382T>C, p.Ser128Pro (NM_001377273.1, NM_005691.4); c.-73T>C (NM_001377274.1); short protein forms S128P.
Identifiers: ClinVar variation 1735346 (VCV001735346.7), dbSNP rs1949028117, ClinGen allele CA384129238.